The following is an entry in ClinVar:

ClinVar aggregate classification (germline): Uncertain significance (1 of 4 stars; one submission).

Conditions:
Familial hemiplegic migraine. Identifiers: MedGen C0338484, MONDO:0000700.

Allele frequency attached by ClinVar (database versions not stated): TOPMed below 0.00001.

Submission:

Labcorp Genetics (formerly Invitae), Labcorp
Classification: Uncertain significance for Familial hemiplegic migraine. Last evaluated: 2022-04-16. Review status: criteria provided, single submitter. Criteria: Invitae Variant Classification Sherloc (09022015). Collection method: clinical testing. Allele origin: germline.
Comment: This sequence change replaces histidine, which is basic and polar, with leucine, which is neutral and non-polar, at codon 500 of the ATP1A2 protein (p.His500Leu). This variant is not present in population databases (gnomAD no frequency). This variant has not been reported in the literature in individuals affected with ATP1A2-related conditions. Advanced modeling of protein sequence and biophysical properties (such as structural, functional, and spatial information, amino acid conservation, physicochemical variation, residue mobility, and thermodynamic stability) performed at Invitae indicates that this missense variant is not expected to disrupt ATP1A2 protein function. In summary, the available evidence is currently insufficient to determine the role of this variant in disease. Therefore, it has been classified as a Variant of Uncertain Significance.

NM_000702.4(ATP1A2):c.1499A>T (p.His500Leu)

Gene: ATP1A2 (ATPase Na+/K+ transporting subunit alpha 2; plus strand). Cytogenetic location: 1q23.2.
Variant type: single nucleotide variant.
Coding change: c.1499A>T on transcript NM_000702.4 (MANE Select); coding-DNA position 1499, A replaced by T.
Protein change: p.His500Leu; replaces histidine 500 with leucine.
Molecular consequence: missense variant.
Genome position (GRCh38, 1-based): chr1:160,130,139, A>T. VCF-style: chr1-160130139-A-T. GRCh37 (hg19) VCF-style: chr1-160099929-A-T.
Other names: short protein forms H500L.
Identifiers: ClinVar variation 2126933 (VCV002126933.4), dbSNP rs1651723912, ClinGen allele CA343243023.